The following is an entry in ClinVar:

ClinVar aggregate classification (germline): Uncertain significance (1 of 4 stars; one submission).

Submission:

Ambry Genetics
Classification: Uncertain significance. Last evaluated: 2024-08-01. Review status: criteria provided, single submitter. Criteria: Ambry Variant Classification Scheme 2023. Collection method: clinical testing. Allele origin: germline.
Comment: The p.D267H variant (also known as c.799G>C), located in coding exon 3 of the TERF2IP gene, results from a G to C substitution at nucleotide position 799. The aspartic acid at codon 267 is replaced by histidine, an amino acid with similar properties. This amino acid position is conserved. In addition, this alteration is predicted to be tolerated by in silico analysis. Based on the available evidence, the clinical significance of this variant remains unclear.

NM_018975.4(TERF2IP):c.799G>C (p.Asp267His)

Gene: TERF2IP (TERF2 interacting protein; plus strand). Cytogenetic location: 16q23.1.
Variant type: single nucleotide variant.
Coding change: c.799G>C on transcript NM_018975.4 (MANE Select); coding-DNA position 799, G replaced by C.
Protein change: p.Asp267His; replaces aspartic acid 267 with histidine.
Molecular consequence: missense variant. On other transcripts: non-coding transcript variant (1).
Genome position (GRCh38, 1-based): chr16:75,656,210, G>C. VCF-style: chr16-75656210-G-C. GRCh37 (hg19) VCF-style: chr16-75690108-G-C.
Other names: short protein forms D267H.
Identifiers: ClinVar variation 3455110 (VCV003455110.1).